The following is an entry in ClinVar:

ClinVar aggregate classification (germline): Uncertain significance. Review status: criteria provided, multiple submitters, no conflicts (2 of 4 stars). 2 submissions from 2 submitters: Uncertain significance (2). Last evaluated 2024-11-05.

Conditions:
Developmental and epileptic encephalopathy, 12 (DEE12). Identifiers: MedGen C3150988, MONDO:0013389, OMIM 613722.

Allele frequency attached by ClinVar (database versions not stated): gnomAD exomes 0.00001 and 0.00003; ExAC 0.00005; gnomAD 0.00007 and 0.00008; TOPMed 0.00007; ESP Exome Variant Server 0.00015.

Submissions (2):

Labcorp Genetics (formerly Invitae), Labcorp
Classification: Uncertain significance for Developmental and epileptic encephalopathy, 12. Last evaluated: 2024-11-05. Review status: criteria provided, single submitter. Criteria: Invitae Variant Classification Sherloc (09022015). Collection method: clinical testing. Allele origin: germline.
Comment: This sequence change replaces alanine, which is neutral and non-polar, with threonine, which is neutral and polar, at codon 295 of the PNKP protein (p.Ala295Thr). This variant is present in population databases (rs368887106, gnomAD 0.03%). This variant has not been reported in the literature in individuals affected with PNKP-related conditions. ClinVar contains an entry for this variant (Variation ID: 206397). An algorithm developed to predict the effect of missense changes on protein structure and function (PolyPhen-2) suggests that this variant¬†is likely to be tolerated. In summary, the available evidence is currently insufficient to determine the role of this variant in disease. Therefore, it has been classified as a Variant of Uncertain Significance.

GeneDx
Classification: Uncertain significance. Last evaluated: 2019-01-14. Review status: criteria provided, single submitter. Criteria: GeneDx Variant Classification (06012015). Collection method: clinical testing. Allele origin: germline. Affected: yes.
Comment: p.Ala295Thr (GCC>ACC): c.883 G>A in exon 10 of the PNKP gene (NM_007254.2) The Ala295Thr missense change has not been published as a mutation, nor has it been reported as a benign polymorphism to our knowledge. This variant is a non-conservative amino acid substitution of a non-polar Alanine residue with a polar Threonine residue at a position that is conserved across species in the phosphatase domain of the PNKP protein. However, other missense mutations at nearby codons have not been reported in association with epilepsy. In addition, in silico analysis predicts this variant likely has a benign effect on the protein structure/function. Therefore, based on the currently available information, it is unclear whether Ala295Thr is a disease-causing mutation or a rare benign variant. The variant is found in CHILD-EPI panel(s).

NM_007254.4(PNKP):c.883G>A (p.Ala295Thr)

Gene: PNKP (polynucleotide kinase 3'-phosphatase; minus strand). Cytogenetic location: 19q13.33.
Variant type: single nucleotide variant.
Coding change: c.883G>A on transcript NM_007254.4 (MANE Select); coding-DNA position 883, G replaced by A.
Protein change: p.Ala295Thr; replaces alanine 295 with threonine.
Molecular consequence: missense variant.
Genome position (GRCh38, 1-based): chr19:49,862,591, C>T on the plus strand (G>A on the coding strand, the complement: PNKP is on the minus strand). VCF-style: chr19-49862591-C-T. GRCh37 (hg19) VCF-style: chr19-50365848-C-T.
Other names: p.A295T:GCC>ACC; short protein forms A295T.
Identifiers: ClinVar variation 206397 (VCV000206397.11), dbSNP rs368887106, ClinGen allele CA316474.
Genomic context (GRCh38, chr19:49,862,591, plus strand): 5'-GCCTCACCAGGCGATCGGCGCAGGAGAAGTCTTTCTTCTTCCGCCCCGGGGCCCAGTTGG[C>T]CGGGCGTCCGGCTGCGTCTGGAACACACGGGACACCCCGTTCCCACCAGCTCGGAGGGAG-3'
Protein context (NP_009185.2, residues 285-305): IFVGDAAGRP[Ala295Thr]NWAPGRKKKD